The following is an entry in ClinVar:

ClinVar aggregate classification (germline): Uncertain significance. Review status: criteria provided, multiple submitters, no conflicts (2 of 4 stars). 3 submissions from 3 submitters: Uncertain significance (3). Last evaluated 2024-01-16.

Conditions:
Hereditary cancer-predisposing syndrome. Also called: Hereditary Cancer Syndrome; Neoplastic Syndromes, Hereditary; Tumor predisposition; Hereditary neoplastic syndrome. Identifiers: Orphanet 140162, MedGen C0027672, MeSH D009386, MONDO:0015356.
Multiple endocrine neoplasia, type 2 (MEN2). Identifiers: Orphanet 653, MedGen C4048306, MONDO:0019003. Disease mechanism: gain of function.

Submissions (3):

Labcorp Genetics (formerly Invitae), Labcorp
Classification: Uncertain significance for Multiple endocrine neoplasia, type 2. Last evaluated: 2024-01-16. Review status: criteria provided, single submitter. Criteria: Invitae Variant Classification Sherloc (09022015). Collection method: clinical testing. Allele origin: germline.
Comment: This sequence change replaces alanine, which is neutral and non-polar, with threonine, which is neutral and polar, at codon 4 of the RET protein (p.Ala4Thr). This variant is not present in population databases (gnomAD no frequency). This variant has not been reported in the literature in individuals affected with RET-related conditions. ClinVar contains an entry for this variant (Variation ID: 1023866). An algorithm developed to predict the effect of missense changes on protein structure and function (PolyPhen-2) suggests that this variant is likely to be disruptive. In summary, the available evidence is currently insufficient to determine the role of this variant in disease. Therefore, it has been classified as a Variant of Uncertain Significance.

All of Us Research Program, National Institutes of Health
Classification: Uncertain significance for Multiple endocrine neoplasia, type 2. Last evaluated: 2023-12-18. Review status: criteria provided, single submitter. Criteria: ACMG Guidelines, 2015. Collection method: clinical testing. Allele origin: germline. Inheritance: Autosomal dominant inheritance. Observed: 1 variant allele, 1 heterozygote.
Comment: This missense variant replaces alanine with threonine at codon 4 of the RET protein. Computational prediction suggests that this variant may not impact protein structure and function (internally defined REVEL score threshold <= 0.5, PMID: 27666373). To our knowledge, functional studies have not been reported for this variant. This variant has not been reported in individuals affected with RET-related disorders in the literature. This variant has not been identified in the general population by the Genome Aggregation Database (gnomAD). The available evidence is insufficient to determine the role of this variant in disease conclusively. Therefore, this variant is classified as a Variant of Uncertain Significance.

This study involves interpretation of variants in research participants for the purpose of population health screening. Participant phenotype was not available at the time of variant classification. Additional details can be found in publication PMID: 35346344, PMCID: PMC8962531

Ambry Genetics
Classification: Uncertain significance for Hereditary cancer-predisposing syndrome. Last evaluated: 2023-09-05. Review status: criteria provided, single submitter. Criteria: Ambry Variant Classification Scheme 2023. Collection method: clinical testing. Allele origin: germline.
Comment: The p.A4T variant (also known as c.10G>A), located in coding exon 1 of the RET gene, results from a G to A substitution at nucleotide position 10. The alanine at codon 4 is replaced by threonine, an amino acid with similar properties. This amino acid position is well conserved in available vertebrate species. In addition, the in silico prediction for this alteration is inconclusive. Since supporting evidence is limited at this time, the clinical significance of this alteration remains unclear.

NM_020975.6(RET):c.10G>A (p.Ala4Thr)

Genes: RET (ret proto-oncogene; plus strand), LOC106736614 (RET 5' regulatory region; plus strand). Cytogenetic location: 10q11.21.
Variant type: single nucleotide variant.
Coding change: c.10G>A on transcript NM_020975.6 (MANE Select); coding-DNA position 10, G replaced by A.
Protein change: p.Ala4Thr; replaces alanine 4 with threonine.
Molecular consequence: missense variant.
Genome position (GRCh38, 1-based): chr10:43,077,268, G>A. VCF-style: chr10-43077268-G-A. GRCh37 (hg19) VCF-style: chr10-43572716-G-A.
Other names: c.10G>A, p.Ala4Thr (NM_000323.2, NM_001406743.1, NM_001406744.1 and 38 more transcripts); short protein forms A4T.
Identifiers: ClinVar variation 1023866 (VCV001023866.10), dbSNP rs1837063785, ClinGen allele CA376768012.